The following is an entry in ClinVar:

NM_020433.5(JPH2):c.856A>G (p.Thr286Ala)

Gene: JPH2 (junctophilin 2; minus strand). Cytogenetic location: 20q13.12.
Variant type: single nucleotide variant.
Coding change: c.856A>G on transcript NM_020433.5 (MANE Select); coding-DNA position 856, A replaced by G.
Protein change: p.Thr286Ala; replaces threonine 286 with alanine.
Molecular consequence: missense variant.
Genome position (GRCh38, 1-based): chr20:44,159,931, T>C on the plus strand (A>G on the coding strand, the complement: JPH2 is on the minus strand). VCF-style: chr20-44159931-T-C. GRCh37 (hg19) VCF-style: chr20-42788571-T-C.
Other names: p.T286A:ACC>GCC; short protein forms T286A.
Identifiers: ClinVar variation 201799 (VCV000201799.27), dbSNP rs144022614, ClinGen allele CA335229.

ClinVar aggregate classification (germline): Likely benign. Review status: criteria provided, multiple submitters, no conflicts (2 of 4 stars). 12 submissions from 12 submitters: Likely benign (12). Last evaluated 2025-12-29.

Conditions:
Cardiomyopathy (CMYO). Also called: Cardiomyopathies. Identifiers: Orphanet 167848, MedGen C0878544, MONDO:0004994, HP:0001638. Inheritance: Various modes of inheritance.
Supraventricular tachycardia. Identifiers: MedGen C0039240, HP:0004755.
Cardiovascular phenotype. Identifiers: MedGen CN230736.
Hypertrophic cardiomyopathy. Also called: HYPERTROPHIC MYOCARDIOPATHY. Identifiers: Orphanet 217569, MedGen C0007194, MeSH D002312, MONDO:0005045, HP:0001639.

Allele frequency attached by ClinVar (database versions not stated): 1000 Genomes Project 0.00040; gnomAD 0.00173 and 0.00183; 1000 Genomes Project 30x 0.00031; ESP Exome Variant Server 0.00100; gnomAD exomes 0.00097 and 0.00100; ExAC 0.00127.

Submissions (12):

Labcorp Genetics (formerly Invitae), Labcorp
Classification: Likely benign for Hypertrophic cardiomyopathy. Last evaluated: 2025-12-29. Review status: criteria provided, single submitter. Criteria: Invitae Variant Classification Sherloc (09022015). Collection method: clinical testing. Allele origin: germline.

Molecular Diagnostic Laboratory for Inherited Cardiovascular Disease, Montreal Heart Institute
Classification: Likely benign. Last evaluated: 2025-04-09. Review status: criteria provided, single submitter. Criteria: ACMG Guidelines, 2015. Collection method: clinical testing. Allele origin: germline. Affected: no.
Comment: BS1;BP4

Laboratory of Genetics, Children's Clinical University Hospital Latvia
Classification: Likely benign. Last evaluated: 2025-02-16. Review status: criteria provided, single submitter. Criteria: ACMG Guidelines, 2015. Collection method: clinical testing. Allele origin: germline. Affected: yes.

Mayo Clinic Laboratories, Mayo Clinic
Classification: Likely benign. Last evaluated: 2025-01-29. Review status: criteria provided, single submitter. Criteria: ACMG Guidelines, 2015. Collection method: clinical testing. Allele origin: germline. Observed: 2 variant alleles.
Comment: BS1, BP4

Blueprint Genetics
Classification: Likely benign. Last evaluated: 2024-11-17. Review status: criteria provided, single submitter. Criteria: ACMG Guidelines, 2015. Collection method: clinical testing. Allele origin: germline.

Women's Health and Genetics/Laboratory Corporation of America, LabCorp
Classification: Likely benign. Last evaluated: 2023-08-19. Review status: criteria provided, single submitter. Criteria: LabCorp Variant Classification Summary - May 2015. Collection method: clinical testing. Allele origin: germline.

ARUP Laboratories, Molecular Genetics and Genomics, ARUP Laboratories
Classification: Likely benign. Last evaluated: 2022-05-06. Review status: criteria provided, single submitter. Criteria: ARUP Molecular Germline Variant Investigation Process 2021. Collection method: clinical testing. Allele origin: germline.

Center for Advanced Laboratory Medicine, UC San Diego Health, University of California San Diego
Classification: Likely benign for Cardiomyopathy; Supraventricular tachycardia. Last evaluated: 2019-04-01. Review status: criteria provided, single submitter. Criteria: ACMG Guidelines, 2015. Collection method: clinical testing. Allele origin: germline. Affected: yes. Observed: 2 variant alleles.

Ambry Genetics
Classification: Likely benign for Cardiovascular phenotype. Last evaluated: 2018-09-29. Review status: criteria provided, single submitter. Criteria: Ambry Variant Classification Scheme 2023. Collection method: clinical testing. Allele origin: germline.

GeneDx
Classification: Likely benign. Last evaluated: 2018-02-01. Review status: criteria provided, single submitter. Criteria: GeneDx Variant Classification (06012015). Collection method: clinical testing. Allele origin: germline. Affected: yes.
Comment: This variant is considered likely benign or benign based on one or more of the following criteria: it is a conservative change, it occurs at a poorly conserved position in the protein, it is predicted to be benign by multiple in silico algorithms, and/or has population frequency not consistent with disease.

Laboratory for Molecular Medicine, Mass General Brigham Personalized Medicine
Classification: Likely benign. Last evaluated: 2015-03-18. Review status: criteria provided, single submitter. Criteria: LMM Criteria. Collection method: clinical testing. Allele origin: germline. Observed: 2 variant alleles.
Comment: p.Thr286Ala in exon 2 of JPH2: This variant is not expected to have clinical sig nificance because it has been identified in 0.5% (27/5220) of Finnish chromosome s by the Exome Aggregation Consortium (ExAC; dbS NP rs144022614).

Breakthrough Genomics
Classification: Likely benign. Review status: criteria provided, single submitter. Criteria: ACMG Guidelines, 2015. Collection method: not provided. Allele origin: germline. Inheritance: Autosomal recessive inheritance. Affected: yes.

Literature cited by the submitters: PubMed 28798025 (cited by Mayo Clinic Laboratories, Mayo Clinic); PubMed 22584458 (cited by Women's Health and Genetics/Laboratory Corporation of America, LabCorp and Ambry Genetics); PubMed 23834499 (cited by Ambry Genetics).